The following is an entry in ClinVar:

NM_177438.3(DICER1):c.1509G>C (p.Glu503Asp)

Gene: DICER1 (dicer 1, ribonuclease III; minus strand). Cytogenetic location: 14q32.13.
Variant type: single nucleotide variant.
Coding change: c.1509G>C on transcript NM_177438.3 (MANE Select); coding-DNA position 1509, G replaced by C.
Protein change: p.Glu503Asp; replaces glutamic acid 503 with aspartic acid.
Molecular consequence: missense variant.
Genome position (GRCh38, 1-based): chr14:95,117,622, C>G on the plus strand (G>C on the coding strand, the complement: DICER1 is on the minus strand). VCF-style: chr14-95117622-C-G. GRCh37 (hg19) VCF-style: chr14-95583959-C-G.
Other names: NM_177438.3(DICER1):c.1509G>C; p.Glu503Asp; c.1509G>C (NM_177438.2); c.1509G>C, p.Glu503Asp (NM_001195573.1, NM_001271282.3, NM_001291628.2 and 1 more transcripts); short protein forms E503D.
Identifiers: ClinVar variation 1487846 (VCV001487846.10), dbSNP rs1595414866, ClinGen allele CA390885360.

ClinVar aggregate classification (germline): Likely pathogenic. Review status: reviewed by expert panel (3 of 4 stars). 3 submissions from 3 submitters: Likely pathogenic (1). 2 of the submissions do not count toward it. Last evaluated 2025-02-25.

Conditions:
DICER1-related tumor predisposition. Also called: DICER1-related pleuropulmonary blastoma cancer predisposition syndrome; DICER1 syndrome. Identifiers: Orphanet 284343, MedGen C3839822, MONDO:0100216.
Hereditary cancer-predisposing syndrome. Also called: Neoplastic Syndromes, Hereditary; Tumor predisposition; Hereditary neoplastic syndrome; Hereditary Cancer Syndrome. Identifiers: Orphanet 140162, MedGen C0027672, MeSH D009386, MONDO:0015356.

Submissions (3):

ClinGen DICER1 and miRNA-Processing Gene Variant Curation Expert Panel, ClinGen
Classification: Likely pathogenic for DICER1-related tumor predisposition. Last evaluated: 2025-02-25. Review status: reviewed by expert panel. Criteria: ClinGen DICER1 ACMG Specifications DICER1 V1.3.0. Collection method: curation. Allele origin: germline. Inheritance: Autosomal dominant inheritance.
Comment: NM_177438.2(DICER1):c.1509G>C variant in DICER1 is a missense variant predicted to cause substitution of glutamate by aspartate at amino acid 503 (p.Glu503Asp). This variant received a total of 1 phenotype point across 1 unrelated proband/family meeting DICER1 VCEP phenotype specificity scoring criteria of 1-1.5 points (PS4_Supporting; Internal lab data: Invitae). The variant has been reported to segregate with DICER1 phenotypes in 2 family members separated by 4 meioses from 1 family (PP1_Supporting; Internal lab contributors). This variant is absent from gnomAD v4.1.0 (PM2_Supporting). Sequencing of RNA from patients showed an out-of-frame impact on splicing, indicating that this variant impacts protein function (PS3; Internal lab contributor: Invitae). The splice site predictors MaxEntScan and SpliceAI indicate that the variant impacts splicing, evidence that correlates with impact to DICER1 function (PP3). In summary, this variant meets the criteria to be classified as Likely Pathogenic for DICER1 syndrome based on the ACMG/AMP criteria applied, as specified by the ClinGen DICER1 VCEP: PS4_Supporting, PP1, PM2_Supporting, PS3, PP3 (Bayesian Points: 8; VCEP specifications version 1.3.0; 02/25/2025).

Ambry Genetics
Classification: Likely pathogenic for Hereditary cancer-predisposing syndrome. Last evaluated: 2025-04-09. Review status: criteria provided, single submitter. Criteria: Ambry Variant Classification Scheme 2023. Collection method: clinical testing. Allele origin: germline. Not counted in ClinVar's aggregate classification.
Comment: The c.1509G>C variant (also known as p.E503D), located in coding exon 8 of the DICER1 gene, results from a G to C substitution at nucleotide position 1509. The amino acid change results in glutamic acid to aspartic acid at codon 503, an amino acid with highly similar properties. However, this change occurs in the last base pair of coding exon 8, which makes it likely to have some effect on normal mRNA splicing. This variant was identified in one or more individuals with features consistent with DICER1-related tumor predisposition syndrome (Ambry internal data) and segregated with disease in at least one family (external communication). This nucleotide position is highly conserved in available vertebrate species. In silico splice site analysis predicts that this alteration will weaken the native splice donor site. RNA studies have demonstrated that this alteration results in abnormal splicing in the set of samples tested (Ambry internal data). This variant is considered to be rare based on population cohorts in the Genome Aggregation Database (gnomAD). Based on the majority of available evidence to date, this variant is likely to be pathogenic.

Labcorp Genetics (formerly Invitae), Labcorp
Classification: Pathogenic for DICER1-related tumor predisposition. Last evaluated: 2024-07-13. Review status: criteria provided, single submitter. Criteria: Invitae Variant Classification Sherloc (09022015). Collection method: clinical testing. Allele origin: germline. Not counted in ClinVar's aggregate classification.
Comment: This sequence change replaces glutamic acid, which is acidic and polar, with aspartic acid, which is acidic and polar, at codon 503 of the DICER1 protein (p.Glu503Asp). RNA analysis indicates that this missense change induces altered splicing and may result in an absent or altered protein product. This variant is not present in population databases (gnomAD no frequency). This missense change has been observed in individual(s) with clinical features of DICER1-related conditions (Invitae). ClinVar contains an entry for this variant (Variation ID: 1487846). An algorithm developed to predict the effect of missense changes on protein structure and function (PolyPhen-2) suggests that this variant is likely to be disruptive. Variants that disrupt the consensus splice site are a relatively common cause of aberrant splicing (PMID: 17576681, 9536098). Studies have shown that this missense change results in skipping of exon 9, and produces a non-functional protein and/or introduces a premature termination codon (Invitae). For these reasons, this variant has been classified as Pathogenic.

Literature cited by the submitters: PubMed 17576681 (cited by Labcorp Genetics (formerly Invitae), Labcorp); PubMed 9536098 (cited by Labcorp Genetics (formerly Invitae), Labcorp).